The following is an entry in ClinVar:

ClinVar aggregate classification (germline): Likely benign. Review status: criteria provided, single submitter (1 of 4 stars). 2 submissions from 2 submitters: Likely benign (1). 1 of the submissions does not count toward it. Last evaluated 2025-05-23.

Conditions:
PLXNA2-related disorder. Also called: PLXNA2-related condition.

gnomAD v4.1: 16 of 1,614,020 alleles (0.00099%); highest among the groups gnomAD compares: African/African-American, 0.015%; no homozygotes.

Submissions (2):

Labcorp Genetics (formerly Invitae), Labcorp
Classification: Likely benign. Last evaluated: 2025-05-23. Review status: criteria provided, single submitter. Criteria: Invitae Variant Classification Sherloc (09022015). Collection method: clinical testing. Allele origin: germline.

PreventionGenetics, part of Exact Sciences
Classification: Likely benign for PLXNA2-related condition. Last evaluated: 2021-10-18. Review status: no assertion criteria provided. Collection method: clinical testing. Allele origin: germline. Not counted in ClinVar's aggregate classification.
Comment: This variant is classified as likely benign based on ACMG/AMP sequence variant interpretation guidelines (Richards et al. 2015 PMID: 25741868, with internal and published modifications).

NM_025179.4(PLXNA2):c.1872C>A (p.Ile624=)

Gene: PLXNA2 (plexin A2; minus strand). Cytogenetic location: 1q32.2.
Variant type: single nucleotide variant.
Coding change: c.1872C>A on transcript NM_025179.4 (MANE Select); coding-DNA position 1872, C replaced by A.
Protein change: p.Ile624=; no amino-acid change (isoleucine 624 retained).
Molecular consequence: synonymous variant.
Genome position (GRCh38, 1-based): chr1:208,096,743, G>T on the plus strand (C>A on the coding strand, the complement: PLXNA2 is on the minus strand). VCF-style: chr1-208096743-G-T. GRCh37 (hg19) VCF-style: chr1-208270088-G-T.
Identifiers: ClinVar variation 3351009 (VCV003351009.2).
Genomic context (GRCh38, chr1:208,096,743, plus strand): 5'-TATAGAGAAGCCCCTCATTTGTGGCTCTCATGGCAGATATTTCTTACCTTGATCCAGCGG[G>T]ATGACAGGGACATCCTTGGGCCCAGGTGAGATGCAGATGACCTGGCTCCCGGACACCTGC-3'
Protein context (NP_079455.3, residues 614-634): ISPGPKDVPV[Ile624=]PLDQDWFGLE